The following is an entry in ClinVar:

ClinVar aggregate classification (germline): Uncertain significance. Review status: criteria provided, multiple submitters, no conflicts (2 of 4 stars). 4 submissions from 4 submitters: Uncertain significance (4). Last evaluated 2024-07-25.

Conditions:
Emery-Dreifuss muscular dystrophy 4, autosomal dominant (EDMD4). Also called: EMERY-DREIFUSS MUSCULAR DYSTROPHY 4 WITH VARIABLE FEATURES. Identifiers: Orphanet 261, MedGen C2751807, MONDO:0013071, OMIM 612998.
Autosomal recessive ataxia, Beauce type. Also called: SYNE1-Related Autosomal Recessive Cerebellar Ataxia; SYNE1 Deficiency; Spinocerebellar ataxia, autosomal recessive 8; ATAXIA, RECESSIVE, OF BEAUCE. Identifiers: Orphanet 88644, MedGen C1853116, MONDO:0012549, OMIM 610743.

Allele frequency attached by ClinVar (database versions not stated): ExAC 0.00002; gnomAD 0.00002 and 0.00003; gnomAD exomes 0.00002; TOPMed 0.00002.
gnomAD v4.1: 37 of 1,614,006 alleles (0.0023%); highest among the groups gnomAD compares: Non-Finnish European, 0.0031%; no homozygotes.

Submissions (4):

Blueprint Genetics
Classification: Uncertain significance. Last evaluated: 2024-07-25. Review status: criteria provided, single submitter. Criteria: ACMG Guidelines, 2015. Collection method: clinical testing. Allele origin: germline.

Women's Health and Genetics/Laboratory Corporation of America, LabCorp
Classification: Uncertain significance. Last evaluated: 2024-04-04. Review status: criteria provided, single submitter. Criteria: LabCorp Variant Classification Summary - May 2015. Collection method: clinical testing. Allele origin: germline.
Comment: Variant summary: SYNE1 c.12968T>G (p.Leu4323Arg) results in a non-conservative amino acid change in the encoded protein sequence. Four of five in-silico tools predict a damaging effect of the variant on protein function. The variant allele was found at a frequency of 1.6e-05 in 251288 control chromosomes (gnomAD). The available data on variant occurrences in the general population are insufficient to allow any conclusion about variant significance. To our knowledge, no occurrence of c.12968T>G in individuals affected with Emery-Dreifuss Muscular Dystrophy 4, Autosomal Dominant and no experimental evidence demonstrating its impact on protein function have been reported. ClinVar contains an entry for this variant (Variation ID: 1314996). Based on the evidence outlined above, the variant was classified as uncertain significance.

Labcorp Genetics (formerly Invitae), Labcorp
Classification: Uncertain significance for Emery-Dreifuss muscular dystrophy 4, autosomal dominant; Autosomal recessive ataxia, Beauce type. Last evaluated: 2022-09-13. Review status: criteria provided, single submitter. Criteria: Invitae Variant Classification Sherloc (09022015). Collection method: clinical testing. Allele origin: germline.
Comment: This sequence change replaces leucine, which is neutral and non-polar, with arginine, which is basic and polar, at codon 4323 of the SYNE1 protein (p.Leu4323Arg). This variant is present in population databases (rs763501028, gnomAD 0.002%). This variant has not been reported in the literature in individuals affected with SYNE1-related conditions. ClinVar contains an entry for this variant (Variation ID: 1314996). Algorithms developed to predict the effect of missense changes on protein structure and function (SIFT, PolyPhen-2, Align-GVGD) all suggest that this variant is likely to be disruptive. In summary, the available evidence is currently insufficient to determine the role of this variant in disease. Therefore, it has been classified as a Variant of Uncertain Significance.

GeneDx
Classification: Uncertain significance. Last evaluated: 2021-11-01. Review status: criteria provided, single submitter. Criteria: GeneDx Variant Classification Process June 2021. Collection method: clinical testing. Allele origin: germline. Affected: yes.
Comment: Not observed at a significant frequency in large population cohorts (Lek et al., 2016); In silico analysis supports that this missense variant has a deleterious effect on protein structure/function; Has not been previously published as pathogenic or benign to our knowledge

NM_182961.4(SYNE1):c.13181T>G (p.Leu4394Arg)

Gene: SYNE1 (spectrin repeat containing nuclear envelope protein 1; minus strand). Cytogenetic location: 6q25.2.
Variant type: single nucleotide variant.
Coding change: c.13181T>G on transcript NM_182961.4 (MANE Select); coding-DNA position 13181, T replaced by G.
Protein change: p.Leu4394Arg; replaces leucine 4394 with arginine.
Molecular consequence: missense variant.
Genome position (GRCh38, 1-based): chr6:152,331,504, A>C on the plus strand (T>G on the coding strand, the complement: SYNE1 is on the minus strand). VCF-style: chr6-152331504-A-C. GRCh37 (hg19) VCF-style: chr6-152652639-A-C.
Other names: c.12968T>G, p.Leu4323Arg (NM_033071.5); short protein forms L4323R, L4394R.
Identifiers: ClinVar variation 1314996 (VCV001314996.9), dbSNP rs763501028, ClinGen allele CA4056229.
Genomic context (GRCh38, chr6:152,331,504, plus strand): 5'-TCTGCCATGACCCTGTCTGCGTCCTTTATAAGCGATTTCAGGAGCATCTGCTTGGCCTCC[A>C]GTTCACTGCAGATGGCCAGGTGATCCATGAGAAGGTTCTGAGCCATATCTGGAGGAGGGC-3'
Protein context (NP_892006.3, residues 4384-4404): LMDHLAICSE[Leu4394Arg]EAKQMLLKSL